The following is an entry in ClinVar:

ClinVar aggregate classification (germline): Benign (1 of 4 stars; one submission).

Conditions:
Leigh syndrome (NULS). Also called: Leigh's necrotizing encephalopathy; Leigh's disease; Leigh's syndrome; LEIGH SYNDROME, NUCLEAR; Leigh Syndrome (mtDNA deletion); Leigh Disease. Identifiers: Orphanet 506, MedGen C2931891, MONDO:0009723, OMIM 256000.

Submission:

Wong Mito Lab, Molecular and Human Genetics, Baylor College of Medicine
Classification: Benign for Leigh syndrome. Last evaluated: 2019-10-17. Review status: criteria provided, single submitter. Criteria: Modified ACMG Guidelines (Unpublished). Collection method: clinical testing. Allele origin: germline.
Comment: The NC_012920.1:m.13748A>G (YP_003024036.1:p.Asn471Ser) variant in MTND5 gene is interpretated to be a Benign variant based on the modified ACMG guidelines (unpublished). This variant meets the following evidence codes: BS1, BS2, BP4

NC_012920.1(MT-ND5):m.13748A>G

Gene: MT-ND5 (mitochondrially encoded NADH dehydrogenase 5; plus strand).
Variant type: single nucleotide variant.
Genome position: chrM-13748-A-G.
Identifiers: ClinVar variation 693597 (VCV000693597.1), dbSNP rs879029751, ClinGen allele CA337099794.